The following is an entry in ClinVar:

ClinVar aggregate classification (germline): Uncertain significance (1 of 4 stars; one submission).

Submission:

GeneDx
Classification: Uncertain significance. Last evaluated: 2017-06-30. Review status: criteria provided, single submitter. Criteria: GeneDx Variant Classification (06012015). Collection method: clinical testing. Allele origin: germline. Affected: yes.
Comment: The F908L variant in the PITPNM3 gene has not been reported previously as a pathogenic variant, nor as a benign variant, to our knowledge. The F908L variant is not observed in large population cohorts (Lek et al., 2016; 1000 Genomes Consortium et al., 2015; Exome Variant Server). The F908L variant is a conservative amino acid substitution, which is not likely to impact secondary protein structure as these residues share similar properties. This substitution occurs at a position that is conserved across species. In silico analysis predicts this variant is probably damaging to the protein structure/function. We interpret F908L as a variant of uncertain significance.

NM_031220.4(PITPNM3):c.2724C>A (p.Phe908Leu)

Gene: PITPNM3 (PITPNM family member 3; minus strand). Cytogenetic location: 17p13.2.
Variant type: single nucleotide variant.
Coding change: c.2724C>A on transcript NM_031220.4 (MANE Select); coding-DNA position 2724, C replaced by A.
Protein change: p.Phe908Leu; replaces phenylalanine 908 with leucine.
Molecular consequence: missense variant.
Genome position (GRCh38, 1-based): chr17:6,455,539, G>T on the plus strand (C>A on the coding strand, the complement: PITPNM3 is on the minus strand). VCF-style: chr17-6455539-G-T. GRCh37 (hg19) VCF-style: chr17-6358859-G-T.
Other names: c.2616C>A, p.Phe872Leu (NM_001165966.2); short protein forms F908L, F872L.
Identifiers: ClinVar variation 450044 (VCV000450044.2), dbSNP rs749682615, ClinGen allele CA397400518.